The following is an entry in ClinVar:

NM_001369.3(DNAH5):c.11853del (p.Lys3951fs)

Gene: DNAH5 (dynein axonemal heavy chain 5; minus strand). Cytogenetic location: 5p15.2.
Variant type: Deletion.
Coding change: c.11853del on transcript NM_001369.3 (MANE Select); coding-DNA position 11853, one base deleted (A; older notation c.11853delA).
Protein change: p.Lys3951fs; shifts the reading frame from lysine 3951.
Molecular consequence: frameshift variant.
Genome position (GRCh38, 1-based): chr5:13,729,469, T deleted on the plus strand (A on the coding strand, the reverse complement: DNAH5 is on the minus strand); the first of 3 consecutive T bases (chr5:13,729,469-13,729,471); deleting any one gives the same sequence. VCF-style (leftmost placement, unchanged base first): chr5-13729468-GT-G. GRCh37 (hg19) VCF-style: chr5-13729577-GT-G.
Other names: c.11853delA (NM_001369.2); short protein forms K3951fs.
Identifiers: ClinVar variation 639711 (VCV000639711.7), dbSNP rs1579942226, ClinGen allele CA915943340.

ClinVar aggregate classification (germline): Pathogenic (1 of 4 stars; one submission).

Conditions:
Primary ciliary dyskinesia. Also called: Ciliary dyskinesia. Identifiers: Orphanet 244, MedGen C0008780, MONDO:0016575, HP:0012265.

Submission:

Labcorp Genetics (formerly Invitae), Labcorp
Classification: Pathogenic for Primary ciliary dyskinesia. Last evaluated: 2018-10-17. Review status: criteria provided, single submitter. Criteria: Invitae Variant Classification Sherloc (09022015). Collection method: clinical testing. Allele origin: germline.
Comment: For these reasons, this variant has been classified as Pathogenic. Loss-of-function variants in DNAH5 are known to be pathogenic (PMID: 11788826, 16627867). This variant has not been reported in the literature in individuals with DNAH5-related disease. This variant is not present in population databases (ExAC no frequency). This sequence change creates a premature translational stop signal (p.Lys3951Asnfs*80) in the DNAH5 gene. It is expected to result in an absent or disrupted protein product.

Literature cited by the submitters: PubMed 11788826; PubMed 16627867.